The following is an entry in ClinVar:

ClinVar aggregate classification (germline): Uncertain significance (1 of 4 stars; one submission).

Allele frequency attached by ClinVar (database versions not stated): ExAC 0.00003; gnomAD exomes 0.00004 and 0.00008; TOPMed 0.00004; gnomAD 0.00006 and 0.00007; 1000 Genomes Project 30x 0.00016; 1000 Genomes Project 0.00020.
gnomAD v4.1: 66 of 1,612,490 alleles (0.0041%); highest among the groups gnomAD compares: Middle Eastern, 0.019%; no homozygotes.

Submission:

Labcorp Genetics (formerly Invitae), Labcorp
Classification: Uncertain significance. Last evaluated: 2024-05-08. Review status: criteria provided, single submitter. Criteria: Invitae Variant Classification Sherloc (09022015). Collection method: clinical testing. Allele origin: germline.
Comment: This sequence change replaces arginine, which is basic and polar, with histidine, which is basic and polar, at codon 2533 of the HMCN1 protein (p.Arg2533His). This variant is present in population databases (rs199987140, gnomAD 0.05%), and has an allele count higher than expected for a pathogenic variant. This variant has not been reported in the literature in individuals affected with HMCN1-related conditions. ClinVar contains an entry for this variant (Variation ID: 1352097). Algorithms developed to predict the effect of missense changes on protein structure and function output the following: SIFT: "Not Available"; PolyPhen-2: "Benign"; Align-GVGD: "Not Available". The histidine amino acid residue is found in multiple mammalian species, which suggests that this missense change does not adversely affect protein function. In summary, the available evidence is currently insufficient to determine the role of this variant in disease. Therefore, it has been classified as a Variant of Uncertain Significance.

NM_031935.3(HMCN1):c.7598G>A (p.Arg2533His)

Gene: HMCN1 (hemicentin 1; plus strand). Cytogenetic location: 1q31.1.
Variant type: single nucleotide variant.
Coding change: c.7598G>A on transcript NM_031935.3 (MANE Select); coding-DNA position 7598, G replaced by A.
Protein change: p.Arg2533His; replaces arginine 2533 with histidine.
Molecular consequence: missense variant.
Genome position (GRCh38, 1-based): chr1:186,065,322, G>A. VCF-style: chr1-186065322-G-A. GRCh37 (hg19) VCF-style: chr1-186034454-G-A.
Other names: short protein forms R2533H.
Identifiers: ClinVar variation 1352097 (VCV001352097.7), dbSNP rs199987140, ClinGen allele CA1292896.
Genomic context (GRCh38, chr1:186,065,322, plus strand): 5'-GGCACAAAGATGGGCAGCCCCTCCAAGAAGATGAAGCCCATCACATTATATCTGGTGGCC[G>A]TTTTCTTCAAATTACCAATGTCCAGGTGCCACACACTGGAAGATATACATGTTTGGCTTC-3'
Protein context (NP_114141.2, residues 2523-2543): DEAHHIISGG[Arg2533His]FLQITNVQVP